The following is an entry in ClinVar:

ClinVar aggregate classification (germline): Likely pathogenic (1 of 4 stars; one submission).

Conditions:
Early-infantile DEE. Also called: Ohtahara syndrome; Early infantile epileptic encephalopathy; Early infantile epileptic encephalopathy with suppression bursts. Identifiers: Orphanet 1934, MedGen C0393706, MONDO:0800491.

Submission:

Labcorp Genetics (formerly Invitae), Labcorp
Classification: Likely pathogenic for Early-infantile DEE. Last evaluated: 2022-05-09. Review status: criteria provided, single submitter. Criteria: Invitae Variant Classification Sherloc (09022015). Collection method: clinical testing. Allele origin: germline.
Comment: In summary, the currently available evidence indicates that the variant is pathogenic, but additional data are needed to prove that conclusively. Therefore, this variant has been classified as Likely Pathogenic. Algorithms developed to predict the effect of sequence changes on RNA splicing suggest that this variant may disrupt the consensus splice site. ClinVar contains an entry for this variant (Variation ID: 569913). This variant has not been reported in the literature in individuals affected with KCNQ2-related conditions. This variant is not present in population databases (gnomAD no frequency). This sequence change affects an acceptor splice site in intron 10 of the KCNQ2 gene. It is expected to disrupt RNA splicing. Variants that disrupt the donor or acceptor splice site typically lead to a loss of protein function (PMID: 16199547), and loss-of-function variants in KCNQ2 are known to be pathogenic (PMID: 14534157, 23692823, 27779742).

Literature cited by the submitters: PubMed 16199547; PubMed 14534157; PubMed 23692823; PubMed 27779742.

NM_172107.4(KCNQ2):c.1218-1G>A

Gene: KCNQ2 (potassium voltage-gated channel subfamily Q member 2; minus strand). Cytogenetic location: 20q13.33.
Variant type: single nucleotide variant.
Coding change: c.1218-1G>A on transcript NM_172107.4 (MANE Select); the canonical splice acceptor site of the intron before coding-DNA position 1218, G replaced by A.
Molecular consequence: splice acceptor variant.
Genome position (GRCh38, 1-based): chr20:63,424,207, C>T on the plus strand (G>A on the coding strand, the complement: KCNQ2 is on the minus strand). VCF-style: chr20-63424207-C-T. GRCh37 (hg19) VCF-style: chr20-62055560-C-T.
Other names: c.1188-1G>A (NM_004518.6); c.1218-1G>A (NM_172108.5, NM_172106.3, NM_001382235.1).
Identifiers: ClinVar variation 569913 (VCV000569913.8), dbSNP rs1568899375, ClinGen allele CA409649239.
Genomic context (GRCh38, chr20:63,424,207, plus strand): 5'-GACACCAGGGTAGCAGCAGGGGGCACTGACCTTGGAGACGGCTCCGGCGGGGGGTCCTTC[C>T]TTCAAACAGAAGCAACAGAGAGTTAGTGGCCGCCCACTCAGCACCCATGAGGGTCCCCCA-3'